The following is an entry in ClinVar:

NM_001100913.3(PACS2):c.643G>A (p.Asp215Asn)

Gene: PACS2 (phosphofurin acidic cluster sorting protein 2; plus strand). Cytogenetic location: 14q32.33.
Variant type: single nucleotide variant.
Coding change: c.643G>A on transcript NM_001100913.3 (MANE Select); coding-DNA position 643, G replaced by A.
Protein change: p.Asp215Asn; replaces aspartic acid 215 with asparagine.
Molecular consequence: missense variant.
Genome position (GRCh38, 1-based): chr14:105,368,130, G>A. VCF-style: chr14-105368130-G-A. GRCh37 (hg19) VCF-style: chr14-105834467-G-A.
Other names: c.442G>A, p.Asp148Asn (NM_001243127.3); c.643G>A, p.Asp215Asn (NM_015197.4); c.643G>A (NM_001100913.2); short protein forms D148N, D215N.
Identifiers: ClinVar variation 2434563 (VCV002434563.8), dbSNP rs782729940, ClinGen allele CA7388458.

ClinVar aggregate classification (germline): Conflicting classifications of pathogenicity. Review status: criteria provided, conflicting classifications (1 of 4 stars). 4 submissions from 4 submitters: Uncertain significance (3); Likely benign (1). Last evaluated 2025-04-30.

Conditions:
Developmental and epileptic encephalopathy, 66. Also called: EPILEPTIC ENCEPHALOPATHY, EARLY INFANTILE, 66. Identifiers: MedGen C4748070, MONDO:0054845, OMIM 618067.
Inborn genetic diseases. Identifiers: MedGen C0950123, MeSH D030342.

Allele frequency attached by ClinVar (database versions not stated): gnomAD exomes below 0.00001; ExAC 0.00001.
gnomAD v4.1: 3 of 1,609,718 alleles (0.00019%); highest among the groups gnomAD compares: South Asian, 0.0022%; no homozygotes.

Submissions (4):

Ambry Genetics
Classification: Uncertain significance for Inborn genetic diseases. Last evaluated: 2025-04-30. Review status: criteria provided, single submitter. Criteria: Ambry Variant Classification Scheme 2023. Collection method: clinical testing. Allele origin: germline.

Labcorp Genetics (formerly Invitae), Labcorp
Classification: Likely benign. Last evaluated: 2024-12-28. Review status: criteria provided, single submitter. Criteria: Invitae Variant Classification Sherloc (09022015). Collection method: clinical testing. Allele origin: germline.

GeneDx
Classification: Uncertain significance. Last evaluated: 2024-01-16. Review status: criteria provided, single submitter. Criteria: GeneDx Variant Classification Process June 2021. Collection method: clinical testing. Allele origin: germline. Affected: yes.
Comment: Not observed at significant frequency in large population cohorts (gnomAD); In silico analysis supports that this missense variant has a deleterious effect on protein structure/function; Has not been previously published as pathogenic or benign to our knowledge

Revvity Omics, Revvity
Classification: Uncertain significance for Developmental and epileptic encephalopathy, 66. Last evaluated: 2022-05-26. Review status: criteria provided, single submitter. Criteria: ACMG Guidelines, 2015. Collection method: clinical testing. Allele origin: germline.